The following is an entry in ClinVar:

NM_014915.3(ANKRD26):c.821C>G (p.Pro274Arg)

Gene: ANKRD26 (ankyrin repeat domain 26; minus strand). Cytogenetic location: 10p12.1.
Variant type: single nucleotide variant.
Coding change: c.821C>G on transcript NM_014915.3 (MANE Select); coding-DNA position 821, C replaced by G.
Protein change: p.Pro274Arg; replaces proline 274 with arginine.
Molecular consequence: missense variant.
Genome position (GRCh38, 1-based): chr10:27,077,686, G>C on the plus strand (C>G on the coding strand, the complement: ANKRD26 is on the minus strand). VCF-style: chr10-27077686-G-C. GRCh37 (hg19) VCF-style: chr10-27366615-G-C.
Other names: c.821C>G, p.Pro274Arg (NM_001256053.2); short protein forms P274R.
Identifiers: ClinVar variation 1710955 (VCV001710955.2), dbSNP rs1589347239, ClinGen allele CA376362454.

ClinVar aggregate classification (germline): Uncertain significance. Review status: criteria provided, multiple submitters, no conflicts (2 of 4 stars). 2 submissions from 2 submitters: Uncertain significance (2). Last evaluated 2025-02-24.

Conditions:
Inborn genetic diseases. Identifiers: MedGen C0950123, MeSH D030342.
Thrombocytopenia 2 (THC2). Also called: ANKRD26-Related Thrombocytopenia. Identifiers: Orphanet 268322, MedGen C1861185, MONDO:0008555, OMIM 188000.

Submissions (2):

Ambry Genetics
Classification: Uncertain significance for Inborn genetic diseases. Last evaluated: 2025-02-24. Review status: criteria provided, single submitter. Criteria: Ambry Variant Classification Scheme 2023. Collection method: clinical testing. Allele origin: germline.
Comment: The p.P274R variant (also known as c.821C>G), located in coding exon 8 of the ANKRD26 gene, results from a C to G substitution at nucleotide position 821. The proline at codon 274 is replaced by arginine, an amino acid with dissimilar properties. This amino acid position is conserved. In addition, this alteration is predicted to be tolerated by in silico analysis. Based on the available evidence, the clinical significance of this variant remains unclear.

St. Jude Molecular Pathology, St. Jude Children's Research Hospital
Classification: Uncertain significance for Thrombocytopenia 2. Last evaluated: 2022-10-05. Review status: criteria provided, single submitter. Criteria: St. Jude Assertion Criteria 2020. Collection method: clinical testing. Allele origin: germline.
Comment: The ANKRD26 c.821C>G (p.Pro274Arg) missense change is absent in gnomAD v2.1.1. This variant is not located in the 5’ UTR. The in silico tool REVEL predicts a benign effect on protein function, but to our knowledge this prediction has not been confirmed by functional studies. To our knowledge, this variant has not been reported in individuals with ANKRD26-related thrombocytopenia. In summary, the evidence currently available is insufficient to determine the clinical significance of this variant. It has therefore been classified as of uncertain significance.